The following is an entry in ClinVar:

ClinVar aggregate classification (germline): Uncertain significance (1 of 4 stars; one submission).

gnomAD v4.1: 4 of 1,614,088 alleles (0.00025%); highest among the groups gnomAD compares: Non-Finnish European, 0.00034%; no homozygotes.

Submission:

Labcorp Genetics (formerly Invitae), Labcorp
Classification: Uncertain significance. Last evaluated: 2024-07-25. Review status: criteria provided, single submitter. Criteria: Invitae Variant Classification Sherloc (09022015). Collection method: clinical testing. Allele origin: germline.
Comment: This sequence change replaces serine, which is neutral and polar, with phenylalanine, which is neutral and non-polar, at codon 265 of the DCHS1 protein (p.Ser265Phe). This variant is not present in population databases (gnomAD no frequency). This variant has not been reported in the literature in individuals affected with DCHS1-related conditions. Advanced modeling of protein sequence and biophysical properties (such as structural, functional, and spatial information, amino acid conservation, physicochemical variation, residue mobility, and thermodynamic stability) performed at Invitae indicates that this missense variant is not expected to disrupt DCHS1 protein function with a negative predictive value of 80%. In summary, the available evidence is currently insufficient to determine the role of this variant in disease. Therefore, it has been classified as a Variant of Uncertain Significance.

NM_003737.4(DCHS1):c.794C>T (p.Ser265Phe)

Gene: DCHS1 (dachsous cadherin-related 1; minus strand). Cytogenetic location: 11p15.4.
Variant type: single nucleotide variant.
Coding change: c.794C>T on transcript NM_003737.4 (MANE Select); coding-DNA position 794, C replaced by T.
Protein change: p.Ser265Phe; replaces serine 265 with phenylalanine.
Molecular consequence: missense variant.
Genome position (GRCh38, 1-based): chr11:6,640,820, G>A on the plus strand (C>T on the coding strand, the complement: DCHS1 is on the minus strand). VCF-style: chr11-6640820-G-A. GRCh37 (hg19) VCF-style: chr11-6662051-G-A.
Other names: short protein forms S265F.
Identifiers: ClinVar variation 3671552 (VCV003671552.2).